The following is an entry in ClinVar:

NM_001122752.2(SERPINI1):c.543T>G (p.Ile181Met)

Gene: SERPINI1 (serpin family I member 1; plus strand). Cytogenetic location: 3q26.1.
Variant type: single nucleotide variant.
Coding change: c.543T>G on transcript NM_001122752.2 (MANE Select); coding-DNA position 543, T replaced by G.
Protein change: p.Ile181Met; replaces isoleucine 181 with methionine.
Molecular consequence: missense variant.
Genome position (GRCh38, 1-based): chr3:167,792,651, T>G. VCF-style: chr3-167792651-T-G. GRCh37 (hg19) VCF-style: chr3-167510439-T-G.
Other names: c.543T>G, p.Ile181Met (NM_005025.5); short protein forms I181M.
Identifiers: ClinVar variation 2718013 (VCV002718013.3), dbSNP rs2476231056, ClinGen allele CA355156559.

ClinVar aggregate classification (germline): Uncertain significance (1 of 4 stars; one submission).

Conditions:
Familial encephalopathy with neuroserpin inclusion bodies. Also called: ENCEPHALOPATHY, FAMILIAL, WITH COLLINS BODIES. Identifiers: Orphanet 85110, MedGen C1858680, MONDO:0011412, OMIM 604218.

Submission:

Labcorp Genetics (formerly Invitae), Labcorp
Classification: Uncertain significance for Familial encephalopathy with neuroserpin inclusion bodies. Last evaluated: 2024-11-03. Review status: criteria provided, single submitter. Criteria: Invitae Variant Classification Sherloc (09022015). Collection method: clinical testing. Allele origin: germline.
Comment: This sequence change replaces isoleucine, which is neutral and non-polar, with methionine, which is neutral and non-polar, at codon 181 of the SERPINI1 protein (p.Ile181Met). This variant is not present in population databases (gnomAD no frequency). This variant has not been reported in the literature in individuals affected with SERPINI1-related conditions. ClinVar contains an entry for this variant (Variation ID: 2718013). Invitae Evidence Modeling of protein sequence and biophysical properties (such as structural, functional, and spatial information, amino acid conservation, physicochemical variation, residue mobility, and thermodynamic stability) indicates that this missense variant is not expected to disrupt SERPINI1 protein function with a negative predictive value of 80%. In summary, the available evidence is currently insufficient to determine the role of this variant in disease. Therefore, it has been classified as a Variant of Uncertain Significance.